The following is an entry in ClinVar:

ClinVar aggregate classification (germline): Uncertain significance (1 of 4 stars; one submission).

Submission:

Labcorp Genetics (formerly Invitae), Labcorp
Classification: Uncertain significance. Last evaluated: 2024-02-18. Review status: criteria provided, single submitter. Criteria: Invitae Variant Classification Sherloc (09022015). Collection method: clinical testing. Allele origin: germline.
Comment: This sequence change replaces valine, which is neutral and non-polar, with isoleucine, which is neutral and non-polar, at codon 665 of the ATP1A1 protein (p.Val665Ile). This variant is not present in population databases (gnomAD no frequency). This variant has not been reported in the literature in individuals affected with ATP1A1-related conditions. Advanced modeling of protein sequence and biophysical properties (such as structural, functional, and spatial information, amino acid conservation, physicochemical variation, residue mobility, and thermodynamic stability) performed at Invitae indicates that this missense variant is not expected to disrupt ATP1A1 protein function with a negative predictive value of 95%. In summary, the available evidence is currently insufficient to determine the role of this variant in disease. Therefore, it has been classified as a Variant of Uncertain Significance.

NM_000701.8(ATP1A1):c.1993G>A (p.Val665Ile)

Genes: ATP1A1 (ATPase Na+/K+ transporting subunit alpha 1; plus strand), ATP1A1-AS1 (ATP1A1 antisense RNA 1; minus strand). Cytogenetic location: 1p13.1.
Variant type: single nucleotide variant.
Coding change: c.1993G>A on transcript NM_000701.8 (MANE Select); coding-DNA position 1993, G replaced by A.
Protein change: p.Val665Ile; replaces valine 665 with isoleucine.
Molecular consequence: missense variant.
Genome position (GRCh38, 1-based): chr1:116,397,907, G>A. VCF-style: chr1-116397907-G-A. GRCh37 (hg19) VCF-style: chr1-116940529-G-A.
Other names: c.1993G>A, p.Val665Ile (NM_001160233.2); c.1900G>A, p.Val634Ile (NM_001160234.2); short protein forms V634I, V665I.
Identifiers: ClinVar variation 3633597 (VCV003633597.2).